The following is an entry in ClinVar:

ClinVar aggregate classification (germline): Uncertain significance. Review status: criteria provided, multiple submitters, no conflicts (2 of 4 stars). 2 submissions from 2 submitters: Uncertain significance (2). Last evaluated 2024-12-31.

Allele frequency attached by ClinVar (database versions not stated): gnomAD exomes below 0.00001 and 0.00001; TOPMed below 0.00001; gnomAD 0.00001.
gnomAD v4.1: 5 of 1,613,906 alleles (0.00031%); highest among the groups gnomAD compares: Admixed American, 0.0017%; no homozygotes.

Submissions (2):

Ambry Genetics
Classification: Uncertain significance. Last evaluated: 2024-12-31. Review status: criteria provided, single submitter. Criteria: Ambry Variant Classification Scheme 2023. Collection method: clinical testing. Allele origin: germline.
Comment: The p.A1002V variant (also known as c.3005C>T), located in coding exon 24 of the A2ML1 gene, results from a C to T substitution at nucleotide position 3005. The alanine at codon 1002 is replaced by valine, an amino acid with similar properties. This amino acid position is conserved. In addition, this alteration is predicted to be tolerated by in silico analysis. Since supporting evidence is limited at this time, the clinical significance of this alteration remains unclear.

Labcorp Genetics (formerly Invitae), Labcorp
Classification: Uncertain significance. Last evaluated: 2023-03-21. Review status: criteria provided, single submitter. Criteria: Invitae Variant Classification Sherloc (09022015). Collection method: clinical testing. Allele origin: germline.
Comment: This sequence change replaces alanine, which is neutral and non-polar, with valine, which is neutral and non-polar, at codon 1002 of the A2ML1 protein (p.Ala1002Val). This variant is present in population databases (no rsID available, gnomAD 0.007%). This variant has not been reported in the literature in individuals affected with A2ML1-related conditions. ClinVar contains an entry for this variant (Variation ID: 1399972). An algorithm developed to predict the effect of missense changes on protein structure and function (PolyPhen-2) suggests that this variant is likely to be disruptive. In summary, the available evidence is currently insufficient to determine the role of this variant in disease. Therefore, it has been classified as a Variant of Uncertain Significance.

NM_144670.6(A2ML1):c.3005C>T (p.Ala1002Val)

Gene: A2ML1 (alpha-2-macroglobulin like 1; plus strand). Cytogenetic location: 12p13.31.
Variant type: single nucleotide variant.
Coding change: c.3005C>T on transcript NM_144670.6 (MANE Select); coding-DNA position 3005, C replaced by T.
Protein change: p.Ala1002Val; replaces alanine 1002 with valine.
Molecular consequence: missense variant.
Genome position (GRCh38, 1-based): chr12:8,857,320, C>T. VCF-style: chr12-8857320-C-T. GRCh37 (hg19) VCF-style: chr12-9009916-C-T.
Other names: c.1532C>T, p.Ala511Val (NM_001282424.3); short protein forms A1002V, A511V.
Identifiers: ClinVar variation 1399972 (VCV001399972.9), dbSNP rs893125031, ClinGen allele CA232695585.